The following is an entry in ClinVar:

ClinVar aggregate classification (germline): Benign/Likely benign. Review status: criteria provided, multiple submitters, no conflicts (2 of 4 stars). 2 submissions from 2 submitters: Benign (1); Likely benign (1). Last evaluated 2026-08-04.

Conditions:
Pheochromocytoma/paraganglioma syndrome 2. Also called: SDHAF2-Related Hereditary Paraganglioma-Pheochromocytoma Syndrome; GLOMUS TUMORS, FAMILIAL, 2; Paragangliomas 2; SDHAF2-Related Hereditary Paraganglioma-Pheochromocytoma Syndrome (Paragangliomas 2). Identifiers: Orphanet 29072, MedGen C1866552, MONDO:0011121, OMIM 601650.
Hereditary pheochromocytoma and paraganglioma. Also called: Hereditary paragangliomas and pheochromocytomas; Hereditary Paraganglioma-Pheochromocytoma Syndromes; Hereditary pheochromocytoma-paraganglioma. Identifiers: Orphanet 29072, MedGen C4274332, MONDO:0017366.

Submissions (2):

Myriad Genetics, Inc.
Classification: Benign for Pheochromocytoma/paraganglioma syndrome 2. Last evaluated: 2026-08-04. Review status: criteria provided, single submitter. Criteria: Myriad Autosomal Dominant, Autosomal Recessive and X-Linked Classification Criteria (2023). Collection method: clinical testing. Allele origin: unknown.
Comment: This variant is considered benign. This variant is a silent/synonymous amino acid change and it is not expected to impact splicing.

Labcorp Genetics (formerly Invitae), Labcorp
Classification: Likely benign for Hereditary pheochromocytoma and paraganglioma. Last evaluated: 2019-11-04. Review status: criteria provided, single submitter. Criteria: Invitae Variant Classification Sherloc (09022015). Collection method: clinical testing. Allele origin: germline.

NM_017841.4(SDHAF2):c.34C>T (p.Leu12=)

Gene: SDHAF2 (succinate dehydrogenase complex assembly factor 2; plus strand). Cytogenetic location: 11q12.2.
Variant type: single nucleotide variant.
Coding change: c.34C>T on transcript NM_017841.4 (MANE Select); coding-DNA position 34, C replaced by T.
Protein change: p.Leu12=; no amino-acid change (leucine 12 retained).
Molecular consequence: synonymous variant.
Genome position (GRCh38, 1-based): chr11:61,430,180, C>T. VCF-style: chr11-61430180-C-T. GRCh37 (hg19) VCF-style: chr11-61197652-C-T.
Identifiers: ClinVar variation 1142390 (VCV001142390.10), dbSNP rs2135436365, ClinGen allele CA474519181.